The following is an entry in ClinVar:

NC_000012.11:g.(?_133248791)_(133257875_?)dup

Gene: POLE (DNA polymerase epsilon, catalytic subunit; minus strand). Cytogenetic location: 12q24.33.
Variant type: Duplication.
Identifiers: ClinVar variation 1056220 (VCV001056220.6).

ClinVar aggregate classification (germline): Likely pathogenic (1 of 4 stars; one submission).

Submission:

Labcorp Genetics (formerly Invitae), Labcorp
Classification: Likely pathogenic. Last evaluated: 2023-11-15. Review status: criteria provided, single submitter. Criteria: Invitae Variant Classification Sherloc (09022015). Collection method: clinical testing. Allele origin: germline.
Comment: This variant results in a copy number gain of the genomic region encompassing exon(s) 2-16 of the POLE gene. While the exact position of this variant cannot be determined from the data, sub-genic copy number gains are generally in tandem (PMID: 25640679). This variant is predicted to be out-of-frame, and may result in an absent or disrupted protein product. Loss-of-function variants in POLE are known to be pathogenic (PMID: 23230001, 25948378, 30503519). This variant has not been reported in the literature in individuals affected with POLE-related conditions. In summary, the currently available evidence indicates that the variant is pathogenic, but additional data are needed to prove that conclusively. Therefore, this variant has been classified as Likely Pathogenic.

Literature cited by the submitters: PubMed 25640679; PubMed 23230001; PubMed 25948378; PubMed 30503519.